The following is an entry in ClinVar:

NM_002439.5(MSH3):c.689C>T (p.Thr230Met)

Gene: MSH3 (mutS homolog 3; plus strand). Cytogenetic location: 5q14.1.
Variant type: single nucleotide variant.
Coding change: c.689C>T on transcript NM_002439.5 (MANE Select); coding-DNA position 689, C replaced by T.
Protein change: p.Thr230Met; replaces threonine 230 with methionine.
Molecular consequence: missense variant.
Genome position (GRCh38, 1-based): chr5:80,670,206, C>T. VCF-style: chr5-80670206-C-T. GRCh37 (hg19) VCF-style: chr5-79966025-C-T.
Other names: short protein forms T230M.
Identifiers: ClinVar variation 646020 (VCV000646020.14), dbSNP rs763873895, ClinGen allele CA3327676.

ClinVar aggregate classification (germline): Uncertain significance. Review status: criteria provided, multiple submitters, no conflicts (2 of 4 stars). 4 submissions from 4 submitters: Uncertain significance (4). Last evaluated 2025-07-29.

Conditions:
Hereditary cancer-predisposing syndrome. Also called: Hereditary neoplastic syndrome; Hereditary Cancer Syndrome; Tumor predisposition; Neoplastic Syndromes, Hereditary. Identifiers: Orphanet 140162, MedGen C0027672, MeSH D009386, MONDO:0015356.

Allele frequency attached by ClinVar (database versions not stated): gnomAD exomes 0.00001; TOPMed 0.00001; ExAC 0.00002.
gnomAD v4.1: 19 of 1,613,918 alleles (0.0012%); highest among the groups gnomAD compares: South Asian, 0.0055%; no homozygotes.

Submissions (4):

Labcorp Genetics (formerly Invitae), Labcorp
Classification: Uncertain significance. Last evaluated: 2025-07-29. Review status: criteria provided, single submitter. Criteria: Invitae Variant Classification Sherloc (09022015). Collection method: clinical testing. Allele origin: germline.
Comment: This sequence change replaces threonine, which is neutral and polar, with methionine, which is neutral and non-polar, at codon 230 of the MSH3 protein (p.Thr230Met). This variant is present in population databases (rs763873895, gnomAD 0.009%). This variant has not been reported in the literature in individuals affected with MSH3-related conditions. ClinVar contains an entry for this variant (Variation ID: 646020). An algorithm developed to predict the effect of missense changes on protein structure and function (PolyPhen-2) suggests that this variant is likely to be disruptive. In summary, the available evidence is currently insufficient to determine the role of this variant in disease. Therefore, it has been classified as a Variant of Uncertain Significance.

Ambry Genetics
Classification: Uncertain significance for Hereditary cancer-predisposing syndrome. Last evaluated: 2025-05-30. Review status: criteria provided, single submitter. Criteria: Ambry Variant Classification Scheme 2023. Collection method: clinical testing. Allele origin: germline.
Comment: The p.T230M variant (also known as c.689C>T), located in coding exon 4 of the MSH3 gene, results from a C to T substitution at nucleotide position 689. The threonine at codon 230 is replaced by methionine, an amino acid with similar properties. This amino acid position is highly conserved in available vertebrate species. In addition, this alteration is predicted to be deleterious by in silico analysis. Based on the available evidence, the clinical significance of this variant remains unclear.

Quest Diagnostics Nichols Institute San Juan Capistrano
Classification: Uncertain significance. Last evaluated: 2023-10-16. Review status: criteria provided, single submitter. Criteria: Quest Diagnostics criteria. Collection method: clinical testing. Allele origin: unknown.
Comment: The MSH3 c.689C>T (p.Thr230Met) variant has not been reported in individuals with MSH3-related conditions in the published literature. The frequency of this variant in the general population, 0.000008 (2/251436 chromosomes (Genome Aggregation Database)), is uninformative in the assessment of its pathogenicity. Analysis of this variant using bioinformatics tools for the prediction of the effect of amino acid changes on protein structure and function yielded predictions that this variant is damaging. Based on the available information, we are unable to determine the clinical significance of this variant.

Blueprint Genetics
Classification: Uncertain significance. Last evaluated: 2023-04-12. Review status: criteria provided, single submitter. Criteria: ACMG Guidelines, 2015. Collection method: clinical testing. Allele origin: germline.